The following is an entry in ClinVar:

NM_004183.4(BEST1):c.80G>A (p.Ser27Asn)

Gene: BEST1 (bestrophin 1; plus strand). Cytogenetic location: 11q12.3.
Variant type: single nucleotide variant.
Coding change: c.80G>A on transcript NM_004183.4 (MANE Select); coding-DNA position 80, G replaced by A.
Protein change: p.Ser27Asn; replaces serine 27 with asparagine.
Molecular consequence: missense variant. On other transcripts: non-coding transcript variant (1), intron variant (6).
Genome position (GRCh38, 1-based): chr11:61,951,886, G>A. VCF-style: chr11-61951886-G-A. GRCh37 (hg19) VCF-style: chr11-61719358-G-A.
Other names: c.80G>A, p.Ser27Asn (NM_001363592.2, NM_001440571.1, NM_001440572.1 and 1 more transcripts); c.-29+1459G>A (NM_001139443.3, NM_001300787.2, NM_001440574.1 and 3 more transcripts); short protein forms S27N.
Identifiers: ClinVar variation 1474399 (VCV001474399.9), dbSNP rs1301396112, ClinGen allele CA380831567.

ClinVar aggregate classification (germline): Likely pathogenic. Review status: criteria provided, multiple submitters, no conflicts (2 of 4 stars). 2 submissions from 2 submitters: Likely pathogenic (2). Last evaluated 2023-05-23.

Conditions:
BEST1-related disorder. Also called: BEST1-related disorders; BEST1-related condition. Identifiers: MedGen CN239200.

Submissions (2):

Labcorp Genetics (formerly Invitae), Labcorp
Classification: Likely pathogenic. Last evaluated: 2023-05-23. Review status: criteria provided, single submitter. Criteria: Invitae Variant Classification Sherloc (09022015). Collection method: clinical testing. Allele origin: germline.
Comment: In summary, the currently available evidence indicates that the variant is pathogenic, but additional data are needed to prove that conclusively. Therefore, this variant has been classified as Likely Pathogenic. This variant disrupts the p.Ser27 amino acid residue in BEST1. Other variant(s) that disrupt this residue have been determined to be pathogenic (PMID: 10854112, 28127548, 31570112). This suggests that this residue is clinically significant, and that variants that disrupt this residue are likely to be disease-causing. Advanced modeling of protein sequence and biophysical properties (such as structural, functional, and spatial information, amino acid conservation, physicochemical variation, residue mobility, and thermodynamic stability) performed at Invitae indicates that this missense variant is expected to disrupt BEST1 protein function. ClinVar contains an entry for this variant (Variation ID: 1474399). This missense change has been observed in individual(s) with autosomal dominant Best vitelliform macular dystrophy (Invitae). This variant is not present in population databases (gnomAD no frequency). This sequence change replaces serine, which is neutral and polar, with asparagine, which is neutral and polar, at codon 27 of the BEST1 protein (p.Ser27Asn).

Blueprint Genetics
Classification: Likely pathogenic for BEST1-related disorders. Last evaluated: 2023-02-03. Review status: criteria provided, single submitter. Criteria: ACMG Guidelines, 2015. Collection method: clinical testing. Allele origin: germline. Affected: yes. Observed: 2 variant alleles.

Literature cited by the submitters: PubMed 10854112 (cited by Labcorp Genetics (formerly Invitae), Labcorp); PubMed 28127548 (cited by Labcorp Genetics (formerly Invitae), Labcorp); PubMed 31570112 (cited by Labcorp Genetics (formerly Invitae), Labcorp).